The following is an entry in ClinVar:

NM_003124.5(SPR):c.-12_-10del

Genes: SPR (sepiapterin reductase; plus strand), LOC129934069 (ATAC-STARR-seq lymphoblastoid silent region 11626; plus strand). Cytogenetic location: 2p13.2.
Variant type: Deletion.
Coding change: c.-12_-10del on transcript NM_003124.5 (MANE Select); 12 bases upstream of the start codon through 10 bases upstream of the start codon, 3 bases deleted (GAG; older notation c.-12_-10delGAG).
Molecular consequence: 5 prime UTR variant.
Genome position (GRCh38, 1-based): chr2:72,887,421-72,887,423, GAG deleted; deleting any 3 consecutive bases within chr2:72,887,420-72,887,423 gives the same sequence; the c. name uses the placement nearest the transcript's 3' end. VCF-style (leftmost placement, unchanged base first): chr2-72887419-CGGA-C. GRCh37 (hg19) VCF-style: chr2-73114548-CGGA-C.
Identifiers: ClinVar variation 1509544 (VCV001509544.5), dbSNP rs755760131, ClinGen allele CA1708884.

ClinVar aggregate classification (germline): Uncertain significance (1 of 4 stars; one submission).

Conditions:
Dystonic disorder. Also called: Dystonia. Identifiers: MedGen C0013421, MONDO:0003441, HP:0001332.

Submission:

Labcorp Genetics (formerly Invitae), Labcorp
Classification: Uncertain significance for Dystonic disorder. Last evaluated: 2024-10-23. Review status: criteria provided, single submitter. Criteria: Invitae Variant Classification Sherloc (09022015). Collection method: clinical testing. Allele origin: germline.
Comment: This variant occurs in a non-coding region of the SPR gene. It does not change the encoded amino acid sequence of the SPR protein. This variant is present in population databases (rs755760131, gnomAD 0.03%). This variant has not been reported in the literature in individuals affected with SPR-related conditions. ClinVar contains an entry for this variant (Variation ID: 1509544). Experimental studies and prediction algorithms are not available or were not evaluated, and the functional significance of this variant is currently unknown. In summary, the available evidence is currently insufficient to determine the role of this variant in disease. Therefore, it has been classified as a Variant of Uncertain Significance.